The following is an entry in ClinVar:

NM_020631.6(PLEKHG5):c.2594A>G (p.Gln865Arg)

Gene: PLEKHG5 (pleckstrin homology and RhoGEF domain containing G5; minus strand). Cytogenetic location: 1p36.31.
Variant type: single nucleotide variant.
Coding change: c.2594A>G on transcript NM_020631.6 (MANE Select); coding-DNA position 2594, A replaced by G.
Protein change: p.Gln865Arg; replaces glutamine 865 with arginine.
Molecular consequence: missense variant.
Genome position (GRCh38, 1-based): chr1:6,468,242, T>C on the plus strand (A>G on the coding strand, the complement: PLEKHG5 is on the minus strand). VCF-style: chr1-6468242-T-C. GRCh37 (hg19) VCF-style: chr1-6528302-T-C.
Other names: c.2594A>G (NM_020631.5); c.2705A>G, p.Gln902Arg (NM_001042663.3, NM_001265592.2); c.2594A>G, p.Gln865Arg (NM_001042664.2, NM_001042665.2, NM_001265594.3 and 1 more transcripts); c.2801A>G, p.Gln934Arg (NM_001265593.2); short protein forms Q865R, Q934R, Q902R.
Identifiers: ClinVar variation 235230 (VCV000235230.31), dbSNP rs3007419, ClinGen allele CA561124.

ClinVar aggregate classification (germline): Benign. Review status: criteria provided, multiple submitters, no conflicts (2 of 4 stars). 8 submissions from 8 submitters: Benign (8). Last evaluated 2026-02-02.

Conditions:
Neuronopathy, distal hereditary motor, autosomal recessive 4. Also called: Autosomal recessive lower motor neuron disease with childhood onset; NEUROPATHY, DISTAL HEREDITARY MOTOR, AUTOSOMAL RECESSIVE 4. Identifiers: Orphanet 206580, MedGen C1970211, MONDO:0012608, OMIM 611067.
Charcot-Marie-Tooth disease recessive intermediate C. Also called: CHARCOT-MARIE-TOOTH NEUROPATHY, RECESSIVE INTERMEDIATE C. Identifiers: Orphanet 369867, MedGen C3809309, MONDO:0014154, OMIM 615376.

Allele frequency attached by ClinVar (database versions not stated): gnomAD exomes 0.00132 and 0.00370; ExAC 0.00497; 1000 Genomes Project 0.01158; 1000 Genomes Project 30x 0.01249; gnomAD 0.01499 and 0.01628; ESP Exome Variant Server 0.01647; TOPMed 0.01696.
gnomAD v4.1: 4,255 of 1,597,516 alleles (0.27%); highest among the groups gnomAD compares: African/African-American, 5.1%; 84 homozygotes.

Submissions (8):

Labcorp Genetics (formerly Invitae), Labcorp
Classification: Benign for Neuronopathy, distal hereditary motor, autosomal recessive 4; Charcot-Marie-Tooth disease recessive intermediate C. Last evaluated: 2026-02-02. Review status: criteria provided, single submitter. Criteria: Invitae Variant Classification Sherloc (09022015). Collection method: clinical testing. Allele origin: germline.

ARUP Laboratories, Molecular Genetics and Genomics, ARUP Laboratories
Classification: Benign. Last evaluated: 2025-05-22. Review status: criteria provided, single submitter. Criteria: ARUP Molecular Germline Variant Investigation Process 2024. Collection method: clinical testing. Allele origin: germline.

Illumina Laboratory Services, Illumina
Classification: Benign for Neuronopathy, distal hereditary motor, autosomal recessive 4. Last evaluated: 2018-01-12. Review status: criteria provided, single submitter. Criteria: ICSL Variant Classification Criteria 13 December 2019. Collection method: clinical testing. Allele origin: germline.
Comment: This variant was observed in the ICSL laboratory as part of a predisposition screen in an ostensibly healthy population. It had not been previously curated by ICSL or reported in the Human Gene Mutation Database (HGMD: prior to June 1st, 2018), and was therefore a candidate for classification through an automated scoring system. Utilizing variant allele frequency, disease prevalence and penetrance estimates, and inheritance mode, an automated score was calculated to assess if this variant is too frequent to cause the disease. Based on the score and internal cut-off values, a variant classified as benign is not then subjected to further curation. The score for this variant resulted in a classification of benign for this disease.

Mayo Clinic Laboratories, Mayo Clinic
Classification: Benign. Last evaluated: 2016-10-18. Review status: criteria provided, single submitter. Criteria: ACMG Guidelines, 2015. Collection method: clinical testing. Allele origin: germline. Observed: 13 variant alleles.

Eurofins Ntd Llc (ga)
Classification: Benign. Last evaluated: 2016-07-21. Review status: criteria provided, single submitter. Criteria: EGL Classification Definitions 2015. Collection method: clinical testing. Allele origin: germline. Observed: 1 variant allele, 1 heterozygote.

GeneDx
Classification: Benign. Last evaluated: 2016-03-15. Review status: criteria provided, single submitter. Criteria: GeneDx Variant Classification (06012015). Collection method: clinical testing. Allele origin: germline. Affected: yes.
Comment: This variant is considered likely benign or benign based on one or more of the following criteria: it is a conservative change, it occurs at a poorly conserved position in the protein, it is predicted to be benign by multiple in silico algorithms, and/or has population frequency not consistent with disease.

Center for Pediatric Genomic Medicine, Children's Mercy Hospital and Clinics
Classification: Benign. Last evaluated: 2015-11-23. Review status: criteria provided, single submitter. Criteria: ACMG Guidelines, 2015. Collection method: clinical testing. Allele origin: germline.

Breakthrough Genomics
Classification: Benign. Review status: criteria provided, single submitter. Criteria: ACMG Guidelines, 2015. Collection method: not provided. Allele origin: germline. Inheritance: Autosomal recessive inheritance. Affected: yes.